The following is an entry in ClinVar:

NM_022455.5(NSD1):c.1957G>T (p.Glu653Ter)

Gene: NSD1 (nuclear receptor binding SET domain protein 1; plus strand). Cytogenetic location: 5q35.3.
Variant type: single nucleotide variant.
Coding change: c.1957G>T on transcript NM_022455.5 (MANE Select); coding-DNA position 1957, G replaced by T.
Protein change: p.Glu653Ter; replaces glutamic acid 653 with a stop codon.
Molecular consequence: nonsense.
Genome position (GRCh38, 1-based): chr5:177,210,356, G>T. VCF-style: chr5-177210356-G-T. GRCh37 (hg19) VCF-style: chr5-176637357-G-T.
Other names: c.1084G>T, p.Glu362Ter (NM_001365684.2, NM_001409306.1, NM_001409307.1 and 3 more transcripts); c.1957G>T, p.Glu653Ter (NM_001409301.1, NM_001409302.1, NM_001409303.1); c.1537G>T, p.Glu513Ter (NM_001409304.1); c.1204G>T, p.Glu402Ter (NM_001409305.1); short protein forms E362*, E402*, E513*, E653*.
Identifiers: ClinVar variation 4710975 (VCV004710975.1).

ClinVar aggregate classification (germline): Pathogenic (1 of 4 stars; one submission).

Submission:

Labcorp Genetics (formerly Invitae), Labcorp
Classification: Pathogenic. Last evaluated: 2025-04-18. Review status: criteria provided, single submitter. Criteria: Invitae Variant Classification Sherloc (09022015). Collection method: clinical testing. Allele origin: germline.
Comment: This sequence change creates a premature translational stop signal (p.Glu653*) in the NSD1 gene. It is expected to result in an absent or disrupted protein product. Loss-of-function variants in NSD1 are known to be pathogenic (PMID: 12464997, 14571271, 15942875, 16247291). This variant is not present in population databases (gnomAD no frequency). This variant has not been reported in the literature in individuals affected with NSD1-related conditions. For these reasons, this variant has been classified as Pathogenic.

Literature cited by the submitters: PubMed 12464997; PubMed 14571271; PubMed 15942875; PubMed 16247291.